The following is an entry in ClinVar:

NC_000022.11:g.(?_28719385)_(28725377_?)dup

Gene: CHEK2 (checkpoint kinase 2; minus strand). Cytogenetic location: 22q12.1.
Variant type: Duplication.
Identifiers: ClinVar variation 832858 (VCV000832858.6).

ClinVar aggregate classification (germline): Likely pathogenic (1 of 4 stars; one submission).

Conditions:
Familial cancer of breast. Also called: BREAST CANCER, FAMILIAL; Hereditary breast cancer; hereditary breast carcinoma. Identifiers: Orphanet 227535, MedGen C0346153, MONDO:0016419, OMIM 114480. Disease mechanism: loss of function.

Submission:

Labcorp Genetics (formerly Invitae), Labcorp
Classification: Likely pathogenic for Familial cancer of breast. Last evaluated: 2021-01-01. Review status: criteria provided, single submitter. Criteria: Invitae Variant Classification Sherloc (09022015). Collection method: clinical testing. Allele origin: germline.
Comment: In summary, the currently available evidence indicates that the variant is pathogenic, but additional data are needed to prove that conclusively. Therefore, this variant has been classified as Likely Pathogenic. Loss-of-function variants in CHEK2 are known to be pathogenic (PMID: 21876083, 24713400). This variant has not been reported in the literature in individuals with CHEK2-related conditions. This variant results in a copy number gain of the genomic region encompassing exons 3-5 of the CHEK2 gene. While the exact position of this variant cannot be determined from this data, sub-genic copy number gains are generally in tandem (PMID: 25640679) and may result in an absent or disrupted protein product.

Literature cited by the submitters: PubMed 21876083; PubMed 24713400; PubMed 25640679.